The following is an entry in ClinVar:

NM_001364905.1(LRBA):c.4005-3C>A

Gene: LRBA (LPS responsive beige-like anchor protein; minus strand). Cytogenetic location: 4q31.3.
Variant type: single nucleotide variant.
Coding change: c.4005-3C>A on transcript NM_001364905.1 (MANE Select); 3 bases into the intron before coding-DNA position 4005, C replaced by A.
Molecular consequence: intron variant.
Genome position (GRCh38, 1-based): chr4:150,849,578, G>T on the plus strand (C>A on the coding strand, the complement: LRBA is on the minus strand). VCF-style: chr4-150849578-G-T. GRCh37 (hg19) VCF-style: chr4-151770730-G-T.
Other names: c.4005-3C>A (NM_001367550.1, NM_006726.5, NM_001199282.3 and 2 more transcripts).
Identifiers: ClinVar variation 1484420 (VCV001484420.6), dbSNP rs1235215249, ClinGen allele CA2573138128.
Genomic context (GRCh38, chr4:150,849,578, plus strand): 5'-TACAAAGATGACATTATCACTGCTATTCACGAAGTCCATAACTGTCTTTGTTGAATGGCT[G>T]TCCAAAGATAAATGATATTTACTGATAAAGCTAAAGAAAGGAAATCACAGTTTGCCTACT-3'

ClinVar aggregate classification (germline): Uncertain significance (1 of 4 stars; one submission).

Conditions:
Combined immunodeficiency due to LRBA deficiency. Also called: Common variable immunodeficiency 8, with autoimmunity. Identifiers: Orphanet 445018, MedGen C3553512, MONDO:0013863, OMIM 614700.

Submission:

Labcorp Genetics (formerly Invitae), Labcorp
Classification: Uncertain significance for Combined immunodeficiency due to LRBA deficiency. Last evaluated: 2022-08-16. Review status: criteria provided, single submitter. Criteria: Invitae Variant Classification Sherloc (09022015). Collection method: clinical testing. Allele origin: germline.
Comment: In summary, the available evidence is currently insufficient to determine the role of this variant in disease. Therefore, it has been classified as a Variant of Uncertain Significance. Variants that disrupt the consensus splice site are a relatively common cause of aberrant splicing (PMID: 17576681, 9536098). Algorithms developed to predict the effect of sequence changes on RNA splicing suggest that this variant may disrupt the consensus splice site. ClinVar contains an entry for this variant (Variation ID: 1484420). This variant has not been reported in the literature in individuals affected with LRBA-related conditions. This variant is not present in population databases (gnomAD no frequency). This sequence change falls in intron 24 of the LRBA gene. It does not directly change the encoded amino acid sequence of the LRBA protein. It affects a nucleotide within the consensus splice site.

Literature cited by the submitters: PubMed 17576681; PubMed 9536098.